The following is an entry in ClinVar:

ClinVar aggregate classification (germline): Benign/Likely benign. Review status: criteria provided, multiple submitters, no conflicts (2 of 4 stars). 4 submissions from 4 submitters: Benign (1); Likely benign (3). Last evaluated 2025-01-03.

Conditions:
Hereditary cancer-predisposing syndrome. Also called: Hereditary neoplastic syndrome; Hereditary Cancer Syndrome; Neoplastic Syndromes, Hereditary; Tumor predisposition. Identifiers: Orphanet 140162, MedGen C0027672, MeSH D009386, MONDO:0015356.
Hereditary nonpolyposis colorectal neoplasms. Identifiers: MedGen C0009405, MeSH D003123.
Lynch syndrome 5 (LYNCH5). Also called: Hereditary non-polyposis colorectal cancer, type 5; Colorectal cancer, hereditary nonpolyposis, type 5. Identifiers: Orphanet 144, MedGen C1833477, MONDO:0013710, OMIM 614350. Disease mechanism: loss of function.

Allele frequency attached by ClinVar (database versions not stated): gnomAD exomes below 0.00001.
gnomAD v4.1: 1 of 1,603,746 alleles (0.000062%); highest among the groups gnomAD compares: East Asian, 0.0022%; no homozygotes.

Submissions (4):

Myriad Genetics, Inc.
Classification: Benign for Lynch syndrome 5. Last evaluated: 2025-01-03. Review status: criteria provided, single submitter. Criteria: Myriad Autosomal Dominant, Autosomal Recessive and X-Linked Classification Criteria (2023). Collection method: clinical testing. Allele origin: unknown.
Comment: This variant is considered benign. This variant is a silent/synonymous amino acid change and it is not expected to impact splicing.

Labcorp Genetics (formerly Invitae), Labcorp
Classification: Likely benign for Hereditary nonpolyposis colorectal neoplasms. Last evaluated: 2024-07-18. Review status: criteria provided, single submitter. Criteria: Invitae Variant Classification Sherloc (09022015). Collection method: clinical testing. Allele origin: germline.

Ambry Genetics
Classification: Likely benign for Hereditary cancer-predisposing syndrome. Last evaluated: 2024-04-29. Review status: criteria provided, single submitter. Criteria: Ambry Variant Classification Scheme 2023. Collection method: clinical testing. Allele origin: germline.

Color Diagnostics, LLC DBA Color Health
Classification: Likely benign for Hereditary cancer-predisposing syndrome. Last evaluated: 2016-11-10. Review status: criteria provided, single submitter. Criteria: ACMG Guidelines, 2015. Collection method: clinical testing. Allele origin: germline.

NM_000179.3(MSH6):c.3072G>A (p.Arg1024=)

Gene: MSH6 (mutS homolog 6; plus strand). Cytogenetic location: 2p16.3.
Variant type: single nucleotide variant.
Coding change: c.3072G>A on transcript NM_000179.3 (MANE Select); coding-DNA position 3072, G replaced by A.
Protein change: p.Arg1024=; no amino-acid change (arginine 1024 retained).
Molecular consequence: synonymous variant.
Genome position (GRCh38, 1-based): chr2:47,801,055, G>A. VCF-style: chr2-47801055-G-A. GRCh37 (hg19) VCF-style: chr2-48028194-G-A.
Other names: c.2682G>A, p.Arg894= (NM_001281492.2); c.2166G>A, p.Arg722= (NM_001281493.2, NM_001281494.2).
Identifiers: ClinVar variation 237176 (VCV000237176.16), dbSNP rs878853728, ClinGen allele CA10582077.